The following is an entry in ClinVar:

ClinVar aggregate classification (germline): Uncertain significance. Review status: criteria provided, multiple submitters, no conflicts (2 of 4 stars). 2 submissions from 2 submitters: Uncertain significance (2). Last evaluated 2024-03-08.

Conditions:
Inborn genetic diseases. Identifiers: MedGen C0950123, MeSH D030342.

Allele frequency attached by ClinVar (database versions not stated): gnomAD 0.00001; gnomAD exomes 0.00002 and 0.00003; ExAC 0.00003; TOPMed 0.00005.

Submissions (2):

Ambry Genetics
Classification: Uncertain significance for Inborn genetic diseases. Last evaluated: 2024-03-08. Review status: criteria provided, single submitter. Criteria: Ambry Variant Classification Scheme 2023. Collection method: clinical testing. Allele origin: germline.

Labcorp Genetics (formerly Invitae), Labcorp
Classification: Uncertain significance. Last evaluated: 2021-06-22. Review status: criteria provided, single submitter. Criteria: Invitae Variant Classification Sherloc (09022015). Collection method: clinical testing. Allele origin: germline.
Comment: This variant has not been reported in the literature in individuals affected with ESPN-related conditions. In summary, the available evidence is currently insufficient to determine the role of this variant in disease. Therefore, it has been classified as a Variant of Uncertain Significance. Algorithms developed to predict the effect of sequence changes on RNA splicing suggest that this variant may create or strengthen a splice site. Algorithms developed to predict the effect of missense changes on protein structure and function output the following: SIFT: "Tolerated"; PolyPhen-2: "Benign"; Align-GVGD: "Class C0". The glutamine amino acid residue is found in multiple mammalian species, which suggests that this missense change does not adversely affect protein function. This variant is present in population databases (rs771073264, ExAC 0.01%). This sequence change replaces arginine with glutamine at codon 703 of the ESPN protein (p.Arg703Gln). The arginine residue is moderately conserved and there is a small physicochemical difference between arginine and glutamine.

NM_031475.3(ESPN):c.2108G>A (p.Arg703Gln)

Gene: ESPN (espin; plus strand). Cytogenetic location: 1p36.31.
Variant type: single nucleotide variant.
Coding change: c.2108G>A on transcript NM_031475.3 (MANE Select); coding-DNA position 2108, G replaced by A.
Protein change: p.Arg703Gln; replaces arginine 703 with glutamine.
Molecular consequence: missense variant.
Genome position (GRCh38, 1-based): chr1:6,451,879, G>A. VCF-style: chr1-6451879-G-A. GRCh37 (hg19) VCF-style: chr1-6511939-G-A.
Other names: c.2108G>A (NM_031475.2); c.2018G>A, p.Arg673Gln (NM_001367473.1); c.2045G>A, p.Arg682Gln (NM_001367474.1); short protein forms R673Q, R682Q, R703Q.
Identifiers: ClinVar variation 1424071 (VCV001424071.9), dbSNP rs771073264, ClinGen allele CA560391.